The following is an entry in ClinVar:

NM_004530.6(MMP2):c.832+12C>T

Gene: MMP2 (matrix metallopeptidase 2; plus strand). Cytogenetic location: 16q12.2.
Variant type: single nucleotide variant.
Coding change: c.832+12C>T on transcript NM_004530.6 (MANE Select); 12 bases into the intron after coding-DNA position 832, C replaced by T.
Molecular consequence: intron variant.
Genome position (GRCh38, 1-based): chr16:55,485,789, C>T. VCF-style: chr16-55485789-C-T. GRCh37 (hg19) VCF-style: chr16-55519701-C-T.
Other names: c.604+12C>T (NM_001302508.1, NM_001302510.2, NM_001302509.2); c.682+12C>T (NM_001127891.3).
Identifiers: ClinVar variation 319752 (VCV000319752.15), dbSNP rs17859889, ClinGen allele CA8060203.
Genomic context (GRCh38, chr16:55,485,789, plus strand): 5'-ACCTACAACTTTGAGAAGGATGGCAAGTACGGCTTCTGTCCCCATGAAGGTGAGCATCCA[C>T]TCTAGTCCCCAAGACTTTCCACCCCAAGCCTCCAGCTTCCCGGGCTCCCCAGTGTGCTCT-3'

ClinVar aggregate classification (germline): Benign. Review status: criteria provided, multiple submitters, no conflicts (2 of 4 stars). 4 submissions from 4 submitters: Benign (4). Last evaluated 2026-02-01.

Conditions:
Multicentric osteolysis nodulosis arthropathy spectrum. Identifiers: Orphanet 3460, Orphanet 371428, MedGen C1850155, MONDO:0018298.

Allele frequency attached by ClinVar (database versions not stated): ESP Exome Variant Server 0.02308; gnomAD exomes 0.02534 and 0.04046; gnomAD 0.02723 and 0.03016; TOPMed 0.02804; ExAC 0.04011; 1000 Genomes Project 30x 0.05153; 1000 Genomes Project 0.05531.

Submissions (4):

Labcorp Genetics (formerly Invitae), Labcorp
Classification: Benign. Last evaluated: 2026-02-01. Review status: criteria provided, single submitter. Criteria: Invitae Variant Classification Sherloc (09022015). Collection method: clinical testing. Allele origin: germline.

GeneDx
Classification: Benign. Last evaluated: 2021-06-19. Review status: criteria provided, single submitter. Criteria: GeneDx Variant Classification Process June 2021. Collection method: clinical testing. Allele origin: germline. Affected: yes.

Illumina Laboratory Services, Illumina
Classification: Benign for Multicentric osteolysis, nodulosis, and arthropathy. Last evaluated: 2018-01-13. Review status: criteria provided, single submitter. Criteria: ICSL Variant Classification Criteria 13 December 2019. Collection method: clinical testing. Allele origin: germline.
Comment: This variant was observed in the ICSL laboratory as part of a predisposition screen in an ostensibly healthy population. It had not been previously curated by ICSL or reported in the Human Gene Mutation Database (HGMD: prior to June 1st, 2018), and was therefore a candidate for classification through an automated scoring system. Utilizing variant allele frequency, disease prevalence and penetrance estimates, and inheritance mode, an automated score was calculated to assess if this variant is too frequent to cause the disease. Based on the score and internal cut-off values, a variant classified as benign is not then subjected to further curation. The score for this variant resulted in a classification of benign for this disease.

Breakthrough Genomics
Classification: Benign. Review status: criteria provided, single submitter. Criteria: ACMG Guidelines, 2015. Collection method: not provided. Allele origin: germline. Inheritance: Autosomal recessive inheritance. Affected: yes.